The following is an entry in ClinVar:

NM_032043.3(BRIP1):c.2097+2T>A

Gene: BRIP1 (BRCA1 interacting DNA helicase 1; minus strand). Cytogenetic location: 17q23.2.
Variant type: single nucleotide variant.
Coding change: c.2097+2T>A on transcript NM_032043.3 (MANE Select); the canonical splice donor site of the intron after coding-DNA position 2097, T replaced by A.
Molecular consequence: splice donor variant.
Genome position (GRCh38, 1-based): chr17:61,776,399, A>T on the plus strand (T>A on the coding strand, the complement: BRIP1 is on the minus strand). VCF-style: chr17-61776399-A-T. GRCh37 (hg19) VCF-style: chr17-59853760-A-T.
Identifiers: ClinVar variation 836808 (VCV000836808.32), dbSNP rs2077532634, ClinGen allele CA400477943.

ClinVar aggregate classification (germline): Conflicting classifications of pathogenicity. Review status: criteria provided, conflicting classifications (1 of 4 stars). 5 submissions from 5 submitters: Pathogenic (1); Likely pathogenic (1); Uncertain significance (2). 1 of the submissions does not count toward it. Last evaluated 2025-09-04.

Conditions:
Hereditary cancer-predisposing syndrome. Also called: Neoplastic Syndromes, Hereditary; Tumor predisposition; Hereditary Cancer Syndrome; Hereditary neoplastic syndrome. Identifiers: Orphanet 140162, MedGen C0027672, MeSH D009386, MONDO:0015356.
Fanconi anemia complementation group J. Also called: BRIP1-Related Fanconi Anemia. Identifiers: Orphanet 84, MedGen C1836860, MONDO:0012187, OMIM 609054.
Familial cancer of breast. Also called: BREAST CANCER, FAMILIAL; hereditary breast carcinoma; Hereditary breast cancer. Identifiers: Orphanet 227535, MedGen C0346153, MONDO:0016419, OMIM 114480. Disease mechanism: loss of function.
Ovarian cancer. Also called: OVARIAN CANCER, SOMATIC. Identifiers: Orphanet 213500, MedGen C1140680, MONDO:0008170, OMIM 167000.

Submissions (5):

Labcorp Genetics (formerly Invitae), Labcorp
Classification: Likely pathogenic for Familial cancer of breast; Fanconi anemia complementation group J. Last evaluated: 2025-09-04. Review status: criteria provided, single submitter. Criteria: Invitae Variant Classification Sherloc (09022015). Collection method: clinical testing. Allele origin: germline.
Comment: This sequence change affects a donor splice site in intron 14 of the BRIP1 gene. RNA analysis indicates that disruption of this splice site induces altered splicing and likely results in a shortened protein product. This variant is not present in population databases (gnomAD no frequency). This variant has not been reported in the literature in individuals affected with BRIP1-related conditions. ClinVar contains an entry for this variant (Variation ID: 836808). Studies have shown that disruption of this splice site results in skipping of skipping of exon 14, but is expected to preserve the integrity of the reading-frame (internal data). In summary, the currently available evidence indicates that the variant is pathogenic, but additional data are needed to prove that conclusively. Therefore, this variant has been classified as Likely Pathogenic.

Blueprint Genetics
Classification: Uncertain significance. Last evaluated: 2024-02-27. Review status: criteria provided, single submitter. Criteria: ACMG Guidelines, 2015. Collection method: clinical testing. Allele origin: germline.

Ambry Genetics
Classification: Uncertain significance for Hereditary cancer-predisposing syndrome. Last evaluated: 2023-05-16. Review status: criteria provided, single submitter. Criteria: Ambry Variant Classification Scheme 2023. Collection method: clinical testing. Allele origin: germline.
Comment: The c.2097+2T>A intronic variant results from a T to A substitution two nucleotides after coding exon 13 in the BRIP1 gene. Alterations that disrupt the canonical splice site are expected to result in aberrant splicing. In silico splice site analysis predicts that this alteration will weaken the native splice donor site. The resulting transcript is predicted to be in-frame and is not expected to trigger nonsense-mediated mRNAdecay; however, direct evidence is unavailable. The exact functional effect of the altered amino acid sequence is unknown. This nucleotide position is highly conserved in available vertebrate species. Since supporting evidence is limited at this time, the clinical significance of this alteration remains unclear.

Mendelics
Classification: Pathogenic for Familial cancer of breast. Last evaluated: 2022-05-04. Review status: criteria provided, single submitter. Criteria: Mendelics Assertion Criteria 2019. Collection method: clinical testing. Allele origin: germline.

BRCAlab, Lund University
Classification: Likely pathogenic for Ovarian cancer. Last evaluated: 2022-08-26. Review status: no assertion criteria provided. Collection method: clinical testing. Allele origin: germline. Affected: yes. Not counted in ClinVar's aggregate classification.